The following is an entry in ClinVar:

ClinVar aggregate classification (germline): Likely pathogenic (1 of 4 stars; one submission).

Allele frequency attached by ClinVar (database versions not stated): TOPMed below 0.00001.
gnomAD v4.1: 15 of 1,613,704 alleles (0.00093%); highest among the groups gnomAD compares: East Asian, 0.0022%; no homozygotes.

Submission:

Labcorp Genetics (formerly Invitae), Labcorp
Classification: Likely pathogenic. Last evaluated: 2026-01-22. Review status: criteria provided, single submitter. Criteria: Invitae Variant Classification Sherloc (09022015). Collection method: clinical testing. Allele origin: germline.
Comment: This sequence change affects a donor splice site in intron 7 of the SLC38A8 gene. It is expected to disrupt RNA splicing. Variants that disrupt the donor or acceptor splice site typically lead to a loss of protein function (PMID: 16199547), and loss-of-function variants in SLC38A8 are known to be pathogenic (PMID: 24290379). This variant is not present in population databases (gnomAD no frequency). This variant has not been reported in the literature in individuals affected with SLC38A8-related conditions. ClinVar contains an entry for this variant (Variation ID: 2797886). Algorithms developed to predict the effect of sequence changes on RNA splicing suggest that this variant may disrupt the consensus splice site. In summary, the currently available evidence indicates that the variant is pathogenic, but additional data are needed to prove that conclusively. Therefore, this variant has been classified as Likely Pathogenic.

Literature cited by the submitters: PubMed 16199547; PubMed 24290379.

NM_001080442.3(SLC38A8):c.953+2T>G

Gene: SLC38A8 (solute carrier family 38 member 8; minus strand). Cytogenetic location: 16q23.3.
Variant type: single nucleotide variant.
Coding change: c.953+2T>G on transcript NM_001080442.3 (MANE Select); the canonical splice donor site of the intron after coding-DNA position 953, T replaced by G.
Molecular consequence: splice donor variant.
Genome position (GRCh38, 1-based): chr16:84,017,138, A>C on the plus strand (T>G on the coding strand, the complement: SLC38A8 is on the minus strand). VCF-style: chr16-84017138-A-C. GRCh37 (hg19) VCF-style: chr16-84050743-A-C.
Identifiers: ClinVar variation 2797886 (VCV002797886.3), dbSNP rs1178023478, ClinGen allele CA396932065.